The following is an entry in ClinVar:

ClinVar aggregate classification (germline): Uncertain significance (1 of 4 stars; one submission).

Submission:

GeneDx
Classification: Uncertain significance. Last evaluated: 2025-08-01. Review status: criteria provided, single submitter. Criteria: GeneDx Variant Classification Process June 2021. Collection method: clinical testing. Allele origin: germline. Affected: yes.
Comment: Not observed at significant frequency in large population cohorts (gnomAD); In silico analysis suggests that this missense variant does not alter protein structure/function; Has not been previously published as pathogenic or benign to our knowledge

NM_014991.6(WDFY3):c.7680G>C (p.Glu2560Asp)

Gene: WDFY3 (WD repeat and FYVE domain containing 3; minus strand). Cytogenetic location: 4q21.23.
Variant type: single nucleotide variant.
Coding change: c.7680G>C on transcript NM_014991.6 (MANE Select); coding-DNA position 7680, G replaced by C.
Protein change: p.Glu2560Asp; replaces glutamic acid 2560 with aspartic acid.
Molecular consequence: missense variant.
Genome position (GRCh38, 1-based): chr4:84,718,496, C>G on the plus strand (G>C on the coding strand, the complement: WDFY3 is on the minus strand). VCF-style: chr4-84718496-C-G. GRCh37 (hg19) VCF-style: chr4-85639649-C-G.
Other names: short protein forms E2560D.
Identifiers: ClinVar variation 4690146 (VCV004690146.1).